The following is an entry in ClinVar:

NM_002528.7(NTHL1):c.170G>C (p.Arg57Pro)

Gene: NTHL1 (nth like DNA glycosylase 1; minus strand). Cytogenetic location: 16p13.3.
Variant type: single nucleotide variant.
Coding change: c.170G>C on transcript NM_002528.7 (MANE Select); coding-DNA position 170, G replaced by C.
Protein change: p.Arg57Pro; replaces arginine 57 with proline.
Molecular consequence: missense variant. On other transcripts: 5 prime UTR variant (1).
Genome position (GRCh38, 1-based): chr16:2,046,312, C>G on the plus strand (G>C on the coding strand, the complement: NTHL1 is on the minus strand). VCF-style: chr16-2046312-C-G. GRCh37 (hg19) VCF-style: chr16-2096313-C-G.
Other names: c.194G>C (NM_002528.5); c.170G>C, p.Arg57Pro (NM_001318193.2); c.-9G>C (NM_001318194.2); short protein forms R57P.
Identifiers: ClinVar variation 1504487 (VCV001504487.8), dbSNP rs774831009, ClinGen allele CA394297855.

ClinVar aggregate classification (germline): Uncertain significance. Review status: criteria provided, multiple submitters, no conflicts (2 of 4 stars). 2 submissions from 2 submitters: Uncertain significance (2). Last evaluated 2024-11-07.

Conditions:
Hereditary cancer-predisposing syndrome. Also called: Hereditary neoplastic syndrome; Tumor predisposition; Neoplastic Syndromes, Hereditary; Hereditary Cancer Syndrome. Identifiers: Orphanet 140162, MedGen C0027672, MeSH D009386, MONDO:0015356.

gnomAD v4.1: 1 of 1,612,576 alleles (0.000062%); no homozygotes.

Submissions (2):

Labcorp Genetics (formerly Invitae), Labcorp
Classification: Uncertain significance. Last evaluated: 2024-11-07. Review status: criteria provided, single submitter. Criteria: Invitae Variant Classification Sherloc (09022015). Collection method: clinical testing. Allele origin: germline.
Comment: This sequence change replaces arginine, which is basic and polar, with proline, which is neutral and non-polar, at codon 65 of the NTHL1 protein (p.Arg65Pro). This variant is not present in population databases (gnomAD no frequency). This variant has not been reported in the literature in individuals affected with NTHL1-related conditions. ClinVar contains an entry for this variant (Variation ID: 1504487). An algorithm developed to predict the effect of missense changes on protein structure and function (PolyPhen-2) suggests that this variant is likely to be tolerated. In summary, the available evidence is currently insufficient to determine the role of this variant in disease. Therefore, it has been classified as a Variant of Uncertain Significance.

Ambry Genetics
Classification: Uncertain significance for Hereditary cancer-predisposing syndrome. Last evaluated: 2023-09-06. Review status: criteria provided, single submitter. Criteria: Ambry Variant Classification Scheme 2023. Collection method: clinical testing. Allele origin: germline.
Comment: The p.R65P variant (also known as c.194G>C), located in coding exon 2 of the NTHL1 gene, results from a G to C substitution at nucleotide position 194. The arginine at codon 65 is replaced by proline, an amino acid with dissimilar properties. This amino acid position is poorly conserved in available vertebrate species. In addition, this alteration is predicted to be tolerated by in silico analysis. Since supporting evidence is limited at this time, the clinical significance of this alteration remains unclear.